The following is an entry in ClinVar:

NM_024675.4(PALB2):c.2922G>T (p.Lys974Asn)

Gene: PALB2 (partner and localizer of BRCA2; minus strand). Cytogenetic location: 16p12.2.
Variant type: single nucleotide variant.
Coding change: c.2922G>T on transcript NM_024675.4 (MANE Select); coding-DNA position 2922, G replaced by T.
Protein change: p.Lys974Asn; replaces lysine 974 with asparagine.
Molecular consequence: missense variant.
Genome position (GRCh38, 1-based): chr16:23,623,043, C>A on the plus strand (G>T on the coding strand, the complement: PALB2 is on the minus strand). VCF-style: chr16-23623043-C-A. GRCh37 (hg19) VCF-style: chr16-23634364-C-A.
Other names: p.K974N:AAG>AAT; short protein forms K974N.
Identifiers: ClinVar variation 182772 (VCV000182772.62), dbSNP rs730881892, ClinGen allele CA299744.

ClinVar aggregate classification (germline): Conflicting classifications of pathogenicity. Review status: criteria provided, conflicting classifications (1 of 4 stars). 11 submissions from 11 submitters: Uncertain significance (7); Likely benign (2). 2 of the submissions do not count toward it. Last evaluated 2026-01-14.

Conditions:
Hereditary cancer-predisposing syndrome. Also called: Tumor predisposition; Neoplastic Syndromes, Hereditary; Hereditary Cancer Syndrome; Hereditary neoplastic syndrome. Identifiers: Orphanet 140162, MedGen C0027672, MeSH D009386, MONDO:0015356.
Familial cancer of breast. Also called: hereditary breast carcinoma; BREAST CANCER, FAMILIAL; Hereditary breast cancer. Identifiers: Orphanet 227535, MedGen C0346153, MONDO:0016419, OMIM 114480. Disease mechanism: loss of function.
Malignant tumor of breast. Also called: Malignant breast neoplasm; Cancer breast. Identifiers: MedGen C0006142, MONDO:0007254. Disease mechanism: loss of function.

Allele frequency attached by ClinVar (database versions not stated): TOPMed below 0.00001; ExAC 0.00001; gnomAD 0.00001; gnomAD exomes 0.00001 and below 0.00001.
gnomAD v4.1: 7 of 1,614,030 alleles (0.00043%); highest among the groups gnomAD compares: Non-Finnish European, 0.00059%; no homozygotes.

Submissions (11):

Labcorp Genetics (formerly Invitae), Labcorp
Classification: Uncertain significance for Familial cancer of breast. Last evaluated: 2026-01-14. Review status: criteria provided, single submitter. Criteria: Invitae Variant Classification Sherloc (09022015). Collection method: clinical testing. Allele origin: germline.
Comment: This sequence change replaces lysine, which is basic and polar, with asparagine, which is neutral and polar, at codon 974 of the PALB2 protein (p.Lys974Asn). This variant is present in population databases (rs730881892, gnomAD 0.002%). This missense change has been observed in individual(s) with ovarian cancer (PMID: 26315354). ClinVar contains an entry for this variant (Variation ID: 182772). Invitae Evidence Modeling of protein sequence and biophysical properties (such as structural, functional, and spatial information, amino acid conservation, physicochemical variation, residue mobility, and thermodynamic stability) indicates that this missense variant is not expected to disrupt PALB2 protein function with a negative predictive value of 80%. In summary, the available evidence is currently insufficient to determine the role of this variant in disease. Therefore, it has been classified as a Variant of Uncertain Significance.

Ambry Genetics
Classification: Likely benign for Hereditary cancer-predisposing syndrome. Last evaluated: 2025-07-15. Review status: criteria provided, single submitter. Criteria: Ambry Variant Classification Scheme 2023. Collection method: clinical testing. Allele origin: germline.

Center for Genomic Medicine, Rigshospitalet, Copenhagen University Hospital
Classification: Uncertain significance. Last evaluated: 2025-03-04. Review status: criteria provided, single submitter. Criteria: ACMG Guidelines, 2015. Collection method: clinical testing. Allele origin: germline.

Color Diagnostics, LLC DBA Color Health
Classification: Uncertain significance for Hereditary cancer-predisposing syndrome. Last evaluated: 2024-12-23. Review status: criteria provided, single submitter. Criteria: ACMG Guidelines, 2015. Collection method: clinical testing. Allele origin: germline.
Comment: This missense variant replaces lysine with asparagine at codon 974 of the PALB2 protein. Computational prediction suggests that this variant may not impact protein structure and function. To our knowledge, functional studies have not been performed for this variant. This variant has been reported in an individual affected with ovarian cancer (PMID: 26315354), and it has been detected in a breast cancer case-control meta-analysis in 2/60466 cases and 2/53461 unaffected individuals (PMID: 33471991; Leiden Open Variation Database DB-ID PALB2_010819). This variant has also been identified in 3/251482 chromosomes in the general population by the Genome Aggregation Database (gnomAD). The available evidence is insufficient to determine the role of this variant in disease conclusively. Therefore, this variant is classified as a Variant of Uncertain Significance.

CeGaT Center for Human Genetics Tuebingen
Classification: Likely benign. Last evaluated: 2024-03-01. Review status: criteria provided, single submitter. Criteria: CeGaT Center For Human Genetics Tuebingen Variant Classification Criteria Version 2. Collection method: clinical testing. Allele origin: germline. Affected: yes. Observed: 2 variant alleles.
Comment: PALB2: BP4

Baylor Genetics
Classification: Uncertain significance for Familial cancer of breast. Last evaluated: 2023-09-13. Review status: criteria provided, single submitter. Criteria: ACMG Guidelines, 2015. Collection method: clinical testing. Allele origin: unknown.

Myriad Genetics, Inc.
Classification: Uncertain significance for Familial cancer of breast. Last evaluated: 2023-03-30. Review status: criteria provided, single submitter. Criteria: Myriad Autosomal Dominant, Autosomal Recessive and X-Linked Classification Criteria (2023). Collection method: clinical testing. Allele origin: unknown.
Comment: This variant is classified as a variant of uncertain significance as there is insufficient evidence to determine its impact on protein function and/or cancer risk.

Institute for Clinical Genetics, University Hospital TU Dresden, University Hospital TU Dresden
Classification: Uncertain significance. Last evaluated: 2021-11-03. Review status: criteria provided, single submitter. Criteria: ACMG Guidelines, 2015. Collection method: clinical testing. Allele origin: germline.

GeneDx
Classification: Uncertain significance. Last evaluated: 2021-10-19. Review status: criteria provided, single submitter. Criteria: GeneDx Variant Classification Process June 2021. Collection method: clinical testing. Allele origin: germline. Affected: yes.
Comment: Observed in an individual with ovarian cancer (Ramus 2015); Not observed at significant frequency in large population cohorts (Lek 2016); In silico analysis supports that this missense variant does not alter protein structure/function; This variant is associated with the following publications: (PMID: 20871615, 19609323, 24485656, 26315354)

Counsyl
Classification: Uncertain significance for Familial cancer of breast. Last evaluated: 2018-04-09. Review status: no assertion criteria provided. Collection method: clinical testing. Allele origin: unknown. Not counted in ClinVar's aggregate classification.

Department of Pathology and Laboratory Medicine, Sinai Health System
Classification: Uncertain significance for Malignant tumor of breast. Review status: no assertion criteria provided. Collection method: clinical testing. Allele origin: unknown. Affected: yes. Observed: 1 variant allele. Study: The Canadian Open Genetics Repository (COGR). Not counted in ClinVar's aggregate classification.
Comment: The PALB2 p.Lys974Asn variant was identified in 1 of 6748 proband chromosomes (frequency: 0.0002) from individuals or families with ovarian cancer and was not identified in 6974 control chromosomes from healthy individuals (Ramus 2015). The variant was also identified in dbSNP (ID: rs730881892) as â€šÃ„ÃºWith Uncertain significance alleleâ€šÃ„Ã¹, in ClinVar (classified as uncertain significance by GeneDx, Invitae, Ambry Genetics, Color Genomics), Clinvitae, and Cosmic databases. The variant was not identified in MutDB, LOVD 3.0, or Zhejiang University Database. The variant was identified in control databases in 2 of 246256 chromosomes at a frequency of 0.00001 (Genome Aggregation Database Feb 27, 2017). It was observed in the European Non-Finnish population in 2 of 111706 chromosomes (freq: 0.00002), but not in the African, Other, Latino, Ashkenazi Jewish, East Asian, Finnish, and South Asian populations. The p.Lys974 residue is not conserved in mammals and computational analyses (PolyPhen-2, SIFT, AlignGVGD, BLOSUM, MutationTaster) do not suggest a high likelihood of impact to the protein; however, this information is not predictive enough to rule out pathogenicity. The variant occurs outside of the splicing consensus sequence and 1 of 5 in silico or computational prediction software programs (SpliceSiteFinder, MaxEntScan, NNSPLICE, GeneSplicer, HumanSpliceFinder) predict a greater than 10% difference in splicing; this is not very predictive of pathogenicity. In summary, based on the above information, the clinical significance of this variant cannot be determined with certainty at this time. This variant is classified as a variant of uncertain significance.

Literature cited by the submitters: PubMed 26315354 (cited by 3 submitters); PubMed 33471991 (cited by Color Diagnostics, LLC DBA Color Health).